The following is an entry in ClinVar:

ClinVar aggregate classification (germline): Benign. Review status: criteria provided, single submitter (1 of 4 stars). 2 submissions from 2 submitters: Benign (1). 1 of the submissions does not count toward it. Last evaluated 2025-12-22.

Conditions:
Parkinsonism-dystonia, infantile. Identifiers: Orphanet 238455, MedGen C2751067, MONDO:0013150.
SLC6A3-related disorder. Also called: SLC6A3-related condition.

Allele frequency attached by ClinVar (database versions not stated): ESP Exome Variant Server 0.00008; TOPMed 0.00015; gnomAD 0.00019 and 0.00044; ExAC 0.00074; gnomAD exomes 0.00077; 1000 Genomes Project 30x 0.00156; 1000 Genomes Project 0.00180.
gnomAD v4.1: 906 of 1,612,556 alleles (0.056%); highest among the groups gnomAD compares: South Asian, 0.46%; 8 homozygotes.

Submissions (2):

Labcorp Genetics (formerly Invitae), Labcorp
Classification: Benign for Parkinsonism-dystonia, infantile. Last evaluated: 2025-12-22. Review status: criteria provided, single submitter. Criteria: Invitae Variant Classification Sherloc (09022015). Collection method: clinical testing. Allele origin: germline.

PreventionGenetics, part of Exact Sciences
Classification: Likely benign for SLC6A3-related condition. Last evaluated: 2024-07-09. Review status: no assertion criteria provided. Collection method: clinical testing. Allele origin: germline. Not counted in ClinVar's aggregate classification.
Comment: This variant is classified as likely benign based on ACMG/AMP sequence variant interpretation guidelines (Richards et al. 2015 PMID: 25741868, with internal and published modifications).

NM_001044.5(SLC6A3):c.1137C>T (p.Ile379=)

Gene: SLC6A3 (solute carrier family 6 member 3). Cytogenetic location: 5p15.33.
Variant type: single nucleotide variant.
Coding change: c.1137C>T on transcript NM_001044.5 (MANE Select); coding-DNA position 1137, C replaced by T.
Protein change: p.Ile379=; no amino-acid change (isoleucine 379 retained).
Molecular consequence: synonymous variant.
Genome position (GRCh38, 1-based): chr5:1,414,710, G>A on the plus strand (C>T on the coding strand, the complement: SLC6A3 is on the minus strand). VCF-style: chr5-1414710-G-A. GRCh37 (hg19) VCF-style: chr5-1414825-G-A.
Identifiers: ClinVar variation 470630 (VCV000470630.13), dbSNP rs201605046, ClinGen allele CA3186151.
Genomic context (GRCh38, chr5:1,414,710, plus strand): 5'-TGCTACACGGAGCAGGCCCAGGTGCAGCAGGAGGGGCTCACCGTCCTTGGCCACGTCCCC[G>A]ATGGGCACACTGTGCTTCTGTGCCATGTACCCCAGGAAGGAGAAGACGACGAAGCCGGAG-3'
Protein context (NP_001035.1, residues 369-389): GYMAQKHSVP[Ile379=]GDVAKDGPGL